The following is an entry in ClinVar:

NM_000540.3(RYR1):c.14302T>G (p.Trp4768Gly)

Gene: RYR1 (ryanodine receptor 1; plus strand). Cytogenetic location: 19q13.2.
Variant type: single nucleotide variant.
Coding change: c.14302T>G on transcript NM_000540.3 (MANE Select); coding-DNA position 14302, T replaced by G.
Protein change: p.Trp4768Gly; replaces tryptophan 4768 with glycine.
Molecular consequence: missense variant.
Genome position (GRCh38, 1-based): chr19:38,578,047, T>G. VCF-style: chr19-38578047-T-G. GRCh37 (hg19) VCF-style: chr19-39068687-T-G.
Other names: c.14287T>G, p.Trp4763Gly (NM_001042723.2); short protein forms W4763G, W4768G.
Identifiers: ClinVar variation 2887297 (VCV002887297.2), dbSNP rs1974036906, ClinGen allele CA405684865.
Genomic context (GRCh38, chr19:38,578,047, plus strand): 5'-ACACTAGAGATCACAGCCCACAATGAGCGCAAGCCCAACCCGCCGCCAGGGCTGCTGACC[T>G]GGTGAGCCCAGGACACCCCTGCACAGGCCTGGGGCATGCAGGGGAGGTGACTGGAGTCTG-3'
Protein context (NP_000531.2, residues 4758-4778): KPNPPPGLLT[Trp4768Gly]LMSIDVKYQI

ClinVar aggregate classification (germline): Uncertain significance. Review status: criteria provided, multiple submitters, no conflicts (2 of 4 stars). 2 submissions from 2 submitters: Uncertain significance (2). Last evaluated 2023-08-28.

Conditions:
Malignant hyperthermia, susceptibility to, 1 (MHS1). Also called: Anesthesia related hyperthermia; Malignant hyperpyrexia; Fulminating hyperpyrexia; Pharmacogenic myopathy; RYR1-Related Malignant Hyperthermia Susceptibility; Malignant hyperthermia suceptibility 1. Identifiers: Orphanet 423, MedGen C2930980, MONDO:0007783, OMIM 145600.
RYR1-related disorder. Also called: RYR1-related disorders; RYR1-related condition. Identifiers: MedGen CN239331.

Allele frequency attached by ClinVar (database versions not stated): TOPMed below 0.00001; gnomAD 0.00001; gnomAD exomes 0.00001.
gnomAD v4.1: 18 of 1,613,890 alleles (0.0011%); highest among the groups gnomAD compares: Non-Finnish European, 0.0014%; no homozygotes.

Submissions (2):

All of Us Research Program, National Institutes of Health
Classification: Uncertain significance for Malignant hyperthermia, susceptibility to, 1. Last evaluated: 2023-08-28. Review status: criteria provided, single submitter. Criteria: ACMG Guidelines, 2015. Collection method: clinical testing. Allele origin: germline. Inheritance: Autosomal dominant inheritance. Observed: 1 variant allele, 1 heterozygote.
Comment: This missense variant replaces tryptophan with glycine at codon 4768 of the RYR1 protein. Computational prediction suggests that this variant may have deleterious impact on protein structure and function (internally defined REVEL score threshold >= 0.7, PMID: 27666373). To our knowledge, functional studies have not been reported for this variant. This variant has not been reported in individuals affected with RYR1-related disorders in the literature. This variant has not been identified in the general population by the Genome Aggregation Database (gnomAD). The available evidence is insufficient to determine the role of this variant in disease conclusively. Therefore, this variant is classified as a Variant of Uncertain Significance.

This study involves interpretation of variants in research participants for the purpose of population health screening. Participant phenotype was not available at the time of variant classification. Additional details can be found in publication PMID: 35346344, PMCID: PMC8962531

Labcorp Genetics (formerly Invitae), Labcorp
Classification: Uncertain significance for RYR1-related disorder. Last evaluated: 2023-07-16. Review status: criteria provided, single submitter. Criteria: Invitae Variant Classification Sherloc (09022015). Collection method: clinical testing. Allele origin: germline.
Comment: This sequence change replaces tryptophan, which is neutral and slightly polar, with glycine, which is neutral and non-polar, at codon 4768 of the RYR1 protein (p.Trp4768Gly). This variant is not present in population databases (gnomAD no frequency). This variant has not been reported in the literature in individuals affected with RYR1-related conditions. Experimental studies and prediction algorithms are not available or were not evaluated, and the functional significance of this variant is currently unknown. In summary, the available evidence is currently insufficient to determine the role of this variant in disease. Therefore, it has been classified as a Variant of Uncertain Significance.